The following is an entry in ClinVar:

ClinVar aggregate classification (germline): Likely benign (0 of 4 stars; one submission).

Conditions:
VPS13C-related disorder. Also called: VPS13C-related condition.

Allele frequency attached by ClinVar (database versions not stated): gnomAD exomes below 0.00001.
gnomAD v4.1: 1 of 1,612,224 alleles (0.000062%); highest among the groups gnomAD compares: South Asian, 0.0011%; no homozygotes.

Submission:

PreventionGenetics, part of Exact Sciences
Classification: Likely benign for VPS13C-related condition. Last evaluated: 2019-04-05. Review status: no assertion criteria provided. Collection method: clinical testing. Allele origin: germline.
Comment: This variant is classified as likely benign based on ACMG/AMP sequence variant interpretation guidelines (Richards et al. 2015 PMID: 25741868, with internal and published modifications).

NM_020821.3(VPS13C):c.9707-5C>T

Gene: VPS13C (vacuolar protein sorting 13 homolog C; minus strand). Cytogenetic location: 15q22.2.
Variant type: single nucleotide variant.
Coding change: c.9707-5C>T on transcript NM_020821.3 (MANE Select); 5 bases into the intron before coding-DNA position 9707, C replaced by T.
Molecular consequence: intron variant.
Genome position (GRCh38, 1-based): chr15:61,881,637, G>A on the plus strand (C>T on the coding strand, the complement: VPS13C is on the minus strand). VCF-style: chr15-61881637-G-A. GRCh37 (hg19) VCF-style: chr15-62173836-G-A.
Other names: c.9578-5C>T (NM_017684.5, NM_018080.4); c.9707-5C>T (NM_001018088.3).
Identifiers: ClinVar variation 3047271 (VCV003047271.2), dbSNP rs2547819336, ClinGen allele CA2628785498.